The following is an entry in ClinVar:

NM_020631.6(PLEKHG5):c.1132-1G>T

Gene: PLEKHG5 (pleckstrin homology and RhoGEF domain containing G5; minus strand). Cytogenetic location: 1p36.31.
Variant type: single nucleotide variant.
Coding change: c.1132-1G>T on transcript NM_020631.6 (MANE Select); the canonical splice acceptor site of the intron before coding-DNA position 1132, G replaced by T.
Molecular consequence: splice acceptor variant.
Genome position (GRCh38, 1-based): chr1:6,471,638, C>A on the plus strand (G>T on the coding strand, the complement: PLEKHG5 is on the minus strand). VCF-style: chr1-6471638-C-A. GRCh37 (hg19) VCF-style: chr1-6531698-C-A.
Other names: c.1132-1G>T (NM_198681.4, NM_001265594.3, NM_001042664.2 and 1 more transcripts); c.1243-1G>T (NM_001042663.3, NM_001265592.2); c.1339-1G>T (NM_001265593.2).
Identifiers: ClinVar variation 1490708 (VCV001490708.8), dbSNP rs2148585199, ClinGen allele CA338130539.

ClinVar aggregate classification (germline): Likely pathogenic (1 of 4 stars; one submission).

Conditions:
Charcot-Marie-Tooth disease recessive intermediate C. Also called: CHARCOT-MARIE-TOOTH NEUROPATHY, RECESSIVE INTERMEDIATE C. Identifiers: Orphanet 369867, MedGen C3809309, MONDO:0014154, OMIM 615376.
Neuronopathy, distal hereditary motor, autosomal recessive 4. Also called: Autosomal recessive lower motor neuron disease with childhood onset; NEUROPATHY, DISTAL HEREDITARY MOTOR, AUTOSOMAL RECESSIVE 4. Identifiers: Orphanet 206580, MedGen C1970211, MONDO:0012608, OMIM 611067.

Submission:

Labcorp Genetics (formerly Invitae), Labcorp
Classification: Likely pathogenic for Neuronopathy, distal hereditary motor, autosomal recessive 4; Charcot-Marie-Tooth disease recessive intermediate C. Last evaluated: 2021-02-05. Review status: criteria provided, single submitter. Criteria: Invitae Variant Classification Sherloc (09022015). Collection method: clinical testing. Allele origin: germline.
Comment: Algorithms developed to predict the effect of sequence changes on RNA splicing suggest that this variant may disrupt the consensus splice site, but this prediction has not been confirmed by published transcriptional studies. This variant has not been reported in the literature in individuals with PLEKHG5-related conditions. This variant is not present in population databases (ExAC no frequency). This sequence change affects an acceptor splice site in intron 11 of the PLEKHG5 gene. It is expected to disrupt RNA splicing. Variants that disrupt the donor or acceptor splice site typically lead to a loss of protein function (PMID: 16199547), and loss-of-function variants in PLEKHG5 are known to be pathogenic (PMID: 17564964). In summary, the currently available evidence indicates that the variant is pathogenic, but additional data are needed to prove that conclusively. Therefore, this variant has been classified as Likely Pathogenic.

Literature cited by the submitters: PubMed 16199547; PubMed 17564964.